The following is an entry in ClinVar:

NM_173354.5(SIK1):c.1283T>G (p.Val428Gly)

Gene: SIK1 (salt inducible kinase 1; minus strand). Cytogenetic location: 21q22.3.
Variant type: single nucleotide variant.
Coding change: c.1283T>G on transcript NM_173354.5 (MANE Select); coding-DNA position 1283, T replaced by G.
Protein change: p.Val428Gly; replaces valine 428 with glycine.
Molecular consequence: missense variant.
Genome position (GRCh38, 1-based): chr21:43,419,200, A>C on the plus strand (T>G on the coding strand, the complement: SIK1 is on the minus strand). VCF-style: chr21-43419200-A-C. GRCh37 (hg19) VCF-style: chr21-44839080-A-C.
Other names: short protein forms V428G.
Identifiers: ClinVar variation 1006151 (VCV001006151.9), dbSNP rs2081046255, ClinGen allele CA410608325.

ClinVar aggregate classification (germline): Uncertain significance (1 of 4 stars; one submission).

Conditions:
Developmental and epileptic encephalopathy, 30 (DEE30). Also called: Epileptic encephalopathy, early infantile, 30. Identifiers: MedGen C4225360, MONDO:0014595, OMIM 616341.

Submission:

Labcorp Genetics (formerly Invitae), Labcorp
Classification: Uncertain significance for Developmental and epileptic encephalopathy, 30. Last evaluated: 2022-08-09. Review status: criteria provided, single submitter. Criteria: Invitae Variant Classification Sherloc (09022015). Collection method: clinical testing. Allele origin: germline.
Comment: In summary, the available evidence is currently insufficient to determine the role of this variant in disease. Therefore, it has been classified as a Variant of Uncertain Significance. Advanced modeling of protein sequence and biophysical properties (such as structural, functional, and spatial information, amino acid conservation, physicochemical variation, residue mobility, and thermodynamic stability) performed at Invitae indicates that this missense variant is not expected to disrupt SIK1 protein function. ClinVar contains an entry for this variant (Variation ID: 1006151). This variant has not been reported in the literature in individuals affected with SIK1-related conditions. This variant is not present in population databases (gnomAD no frequency). This sequence change replaces valine, which is neutral and non-polar, with glycine, which is neutral and non-polar, at codon 428 of the SIK1 protein (p.Val428Gly).